The following is an entry in ClinVar:

ClinVar aggregate classification (germline): Uncertain significance. Review status: criteria provided, multiple submitters, no conflicts (2 of 4 stars). 3 submissions from 3 submitters: Uncertain significance (3). Last evaluated 2025-11-03.

Conditions:
Immunodeficiency 51 (IMD51). Also called: CANDIDIASIS, FAMILIAL, 5. Identifiers: Orphanet 1334, MedGen C4310803, MONDO:0013500, OMIM 613953.

Allele frequency attached by ClinVar (database versions not stated): TOPMed 0.00002.
gnomAD v4.1: 29 of 1,608,594 alleles (0.0018%); highest among the groups gnomAD compares: Admixed American, 0.0084%; no homozygotes.

Submissions (3):

Labcorp Genetics (formerly Invitae), Labcorp
Classification: Uncertain significance for Immunodeficiency 51. Last evaluated: 2025-11-03. Review status: criteria provided, single submitter. Criteria: Invitae Variant Classification Sherloc (09022015). Collection method: clinical testing. Allele origin: germline.
Comment: This sequence change replaces phenylalanine, which is neutral and non-polar, with leucine, which is neutral and non-polar, at codon 517 of the IL17RA protein (p.Phe517Leu). This variant is present in population databases (rs769646719, gnomAD 0.009%). This variant has not been reported in the literature in individuals affected with IL17RA-related conditions. ClinVar contains an entry for this variant (Variation ID: 664634). Invitae Evidence Modeling of protein sequence and biophysical properties (such as structural, functional, and spatial information, amino acid conservation, physicochemical variation, residue mobility, and thermodynamic stability) has been performed for this missense variant. However, the output from this modeling did not meet the statistical confidence thresholds required to predict the impact of this variant on IL17RA protein function. In summary, the available evidence is currently insufficient to determine the role of this variant in disease. Therefore, it has been classified as a Variant of Uncertain Significance.

Ambry Genetics
Classification: Uncertain significance. Last evaluated: 2025-06-04. Review status: criteria provided, single submitter. Criteria: Ambry Variant Classification Scheme 2023. Collection method: clinical testing. Allele origin: germline.

Blueprint Genetics
Classification: Uncertain significance. Last evaluated: 2024-10-02. Review status: criteria provided, single submitter. Criteria: ACMG Guidelines, 2015. Collection method: clinical testing. Allele origin: germline.

NM_014339.7(IL17RA):c.1551C>G (p.Phe517Leu)

Gene: IL17RA (interleukin 17 receptor A; plus strand). Cytogenetic location: 22q11.1.
Variant type: single nucleotide variant.
Coding change: c.1551C>G on transcript NM_014339.7 (MANE Select); coding-DNA position 1551, C replaced by G.
Protein change: p.Phe517Leu; replaces phenylalanine 517 with leucine.
Molecular consequence: missense variant.
Genome position (GRCh38, 1-based): chr22:17,108,770, C>G. VCF-style: chr22-17108770-C-G. GRCh37 (hg19) VCF-style: chr22-17589660-C-G.
Other names: c.1551C>G (NM_014339.5); c.1449C>G, p.Phe483Leu (NM_001289905.2); short protein forms F483L, F517L.
Identifiers: ClinVar variation 664634 (VCV000664634.13), dbSNP rs769646719, ClinGen allele CA10086785.